The following is an entry in ClinVar:

NM_002137.4(HNRNPA2B1):c.971A>G (p.Tyr324Cys)

Gene: HNRNPA2B1 (heterogeneous nuclear ribonucleoprotein A2/B1; minus strand). Cytogenetic location: 7p15.2.
Variant type: single nucleotide variant.
Coding change: c.971A>G on transcript NM_002137.4 (MANE Select); coding-DNA position 971, A replaced by G.
Protein change: p.Tyr324Cys; replaces tyrosine 324 with cysteine.
Molecular consequence: missense variant.
Genome position (GRCh38, 1-based): chr7:26,192,571, T>C on the plus strand (A>G on the coding strand, the complement: HNRNPA2B1 is on the minus strand). VCF-style: chr7-26192571-T-C. GRCh37 (hg19) VCF-style: chr7-26232191-T-C.
Other names: c.1007A>G, p.Tyr336Cys (NM_031243.4); short protein forms Y324C, Y336C.
Identifiers: ClinVar variation 2633331 (VCV002633331.4), dbSNP rs1193919522, ClinGen allele CA367070894.
Genomic context (GRCh38, chr7:26,192,571, plus strand): 5'-GAAGCTCAGTATCGGCTCCTCCCACCATAACCCCCACTTCCTCCACTGCCTCCTGGACCA[T>C]AGTTTCCTATAATTGTTGGAACAGCAAGAGAAAACAAACTTACTTTGATTTCCCATGATC-3'
Protein context (NP_002128.1, residues 314-334): NMGGPYGGGN[Tyr324Cys]GPGGSGGSGG

ClinVar aggregate classification (germline): Uncertain significance. Review status: criteria provided, multiple submitters, no conflicts (2 of 4 stars). 2 submissions from 2 submitters: Uncertain significance (2). Last evaluated 2023-08-19.

Conditions:
HNRNPA2B1-related disorder. Also called: HNRNPA2B1-related condition.
Inclusion body myopathy with early-onset Paget disease with or without frontotemporal dementia 2 (IBMPFD2). Also called: MULTISYSTEM PROTEINOPATHY 2. Identifiers: MedGen C3809468, MONDO:0014178, OMIM 615422.

gnomAD v4.1: 25 of 1,613,854 alleles (0.0015%); highest among the groups gnomAD compares: Non-Finnish European, 0.0019%; no homozygotes.

Submissions (2):

Labcorp Genetics (formerly Invitae), Labcorp
Classification: Uncertain significance for Inclusion body myopathy with early-onset Paget disease with or without frontotemporal dementia 2. Last evaluated: 2023-08-19. Review status: criteria provided, single submitter. Criteria: Invitae Variant Classification Sherloc (09022015). Collection method: clinical testing. Allele origin: germline.
Comment: In summary, the available evidence is currently insufficient to determine the role of this variant in disease. Therefore, it has been classified as a Variant of Uncertain Significance. An algorithm developed to predict the effect of missense changes on protein structure and function (PolyPhen-2) suggests that this variant is likely to be disruptive. This variant has not been reported in the literature in individuals affected with HNRNPA2B1-related conditions. This variant is present in population databases (no rsID available, gnomAD 0.0009%). This sequence change replaces tyrosine, which is neutral and polar, with cysteine, which is neutral and slightly polar, at codon 336 of the HNRNPA2B1 protein (p.Tyr336Cys).

PreventionGenetics, part of Exact Sciences
Classification: Uncertain significance for HNRNPA2B1-related condition. Last evaluated: 2023-05-08. Review status: criteria provided, single submitter. Criteria: ACMG Guidelines, 2015. Collection method: clinical testing. Allele origin: germline.
Comment: The HNRNPA2B1 c.1007A>G variant is predicted to result in the amino acid substitution p.Tyr336Cys. To our knowledge, this variant has not been reported in the literature. This variant is reported in 0.00088% of alleles in individuals of European (Non-Finnish) descent in gnomAD. At this time, the clinical significance of this variant is uncertain due to the absence of conclusive functional and genetic evidence.